The following is an entry in ClinVar:

NM_000392.5(ABCC2):c.1655dup (p.Leu552fs)

Gene: ABCC2 (ATP binding cassette subfamily C member 2; plus strand). Cytogenetic location: 10q24.2.
Variant type: Duplication.
Coding change: c.1655dup on transcript NM_000392.5 (MANE Select); coding-DNA position 1655, one base duplicated (T; older notation c.1655dupT).
Protein change: p.Leu552fs; shifts the reading frame from leucine 552.
Molecular consequence: frameshift variant.
Genome position (GRCh38, 1-based): chr10:99,807,508, T duplicated; the last of 2 consecutive T bases (chr10:99,807,507-99,807,508); duplicating either gives the same sequence. VCF-style (leftmost placement, unchanged base first): chr10-99807506-G-GT. GRCh37 (hg19) VCF-style: chr10-101567263-G-GT.
Other names: short protein forms L552fs.
Identifiers: ClinVar variation 2877293 (VCV002877293.3), dbSNP rs1454680088, ClinGen allele CA595449645.

ClinVar aggregate classification (germline): Pathogenic (1 of 4 stars; one submission).

Submission:

Labcorp Genetics (formerly Invitae), Labcorp
Classification: Pathogenic. Last evaluated: 2026-01-21. Review status: criteria provided, single submitter. Criteria: Invitae Variant Classification Sherloc (09022015). Collection method: clinical testing. Allele origin: germline.
Comment: This sequence change creates a premature translational stop signal (p.Leu552Phefs*19) in the ABCC2 gene. It is expected to result in an absent or disrupted protein product. Loss-of-function variants in ABCC2 are known to be pathogenic (PMID: 9185779, 16549534, 16952291). This variant is present in population databases (no rsID available, gnomAD 0.003%). This variant has not been reported in the literature in individuals affected with ABCC2-related conditions. ClinVar contains an entry for this variant (Variation ID: 2877293). For these reasons, this variant has been classified as Pathogenic.

Literature cited by the submitters: PubMed 9185779; PubMed 16549534; PubMed 16952291.